The following is an entry in ClinVar:

NM_000179.3(MSH6):c.3109_3111delinsG (p.Phe1037fs)

Gene: MSH6 (mutS homolog 6; plus strand). Cytogenetic location: 2p16.3.
Variant type: Indel.
Coding change: c.3109_3111delinsG on transcript NM_000179.3 (MANE Select); coding-DNA positions 3109 to 3111, TTC replaced by G.
Protein change: p.Phe1037fs; shifts the reading frame from phenylalanine 1037.
Molecular consequence: frameshift variant. On other transcripts: non-coding transcript variant (5), intron variant (2).
Genome position (GRCh38, 1-based): chr2:47,801,092-47,801,094, TTC replaced by G. VCF-style: chr2-47801092-TTC-G. GRCh37 (hg19) VCF-style: chr2-48028231-TTC-G.
Other names: c.2719_2721delinsG, p.Phe907fs (NM_001281492.2); c.2203_2205delinsG, p.Phe735fs (NM_001281493.2, NM_001281494.2, NM_001406811.1 and 6 more transcripts); c.3205_3207delinsG, p.Phe1069fs (NM_001406795.1, NM_001406802.1); c.3109_3111delinsG, p.Phe1037fs (NM_001406796.1, NM_001406798.1, NM_001406800.1 and 2 more transcripts); c.2812_2814delinsG, p.Phe938fs (NM_001406797.1, NM_001406801.1, NM_001406805.1 and 10 more transcripts); c.2584_2586delinsG, p.Phe862fs (NM_001406799.1, NM_001406806.1, NM_001406807.1); c.3031_3033delinsG, p.Phe1011fs (NM_001406804.1); c.3115_3117delinsG, p.Phe1039fs (NM_001406813.1); and 4 more; short protein forms F1011fs, F1037fs, F1039fs, F1069fs, F352fs, F735fs, F862fs, F907fs.
Identifiers: ClinVar variation 4812994 (VCV004812994.1).

ClinVar aggregate classification (germline): Pathogenic (1 of 4 stars; one submission).

Conditions:
Lynch syndrome 5 (LYNCH5). Also called: Colorectal cancer, hereditary nonpolyposis, type 5; Hereditary non-polyposis colorectal cancer, type 5. Identifiers: Orphanet 144, MedGen C1833477, MONDO:0013710, OMIM 614350. Disease mechanism: loss of function.

Submission:

Myriad Genetics, Inc.
Classification: Pathogenic for Lynch syndrome 5. Last evaluated: 2025-11-17. Review status: criteria provided, single submitter. Criteria: Myriad Autosomal Dominant, Autosomal Recessive and X-Linked Classification Criteria (2023). Collection method: clinical testing. Allele origin: unknown.
Comment: This variant is considered pathogenic. This variant creates a frameshift predicted to result in premature protein truncation.